The following is an entry in ClinVar:

NM_001127222.2(CACNA1A):c.4197G>A (p.Lys1399=)

Genes: CACNA1A (calcium voltage-gated channel subunit alpha1 A; minus strand), LOC126862864 (MED14-independent group 3 enhancer GRCh37_chr19:13371552-13372751; plus strand). Cytogenetic location: 19p13.13.
Variant type: single nucleotide variant.
Coding change: c.4197G>A on transcript NM_001127222.2 (MANE Select); coding-DNA position 4197, G replaced by A.
Protein change: p.Lys1399=; no amino-acid change (lysine 1399 retained).
Molecular consequence: synonymous variant.
Genome position (GRCh38, 1-based): chr19:13,261,503, C>T on the plus strand (G>A on the coding strand, the complement: CACNA1A is on the minus strand). VCF-style: chr19-13261503-C-T. GRCh37 (hg19) VCF-style: chr19-13372317-C-T.
Other names: p.Lys1400=; c.4209G>A, p.Lys1403= (NM_000068.4, NM_023035.3); c.4200G>A, p.Lys1400= (NM_001127221.2, NM_001174080.2).
Identifiers: ClinVar variation 764513 (VCV000764513.10), dbSNP rs1475353262, ClinGen allele CA505659989.

ClinVar aggregate classification (germline): Likely benign. Review status: criteria provided, multiple submitters, no conflicts (2 of 4 stars). 2 submissions from 2 submitters: Likely benign (2). Last evaluated 2025-05-08.

Conditions:
Episodic ataxia type 2 (EA2). Also called: ATAXIA, EPISODIC, WITH NYSTAGMUS; ATAXIA, FAMILIAL PAROXYSMAL; CEREBELLAR ATAXIA, PAROXYSMAL, ACETAZOLAMIDE-RESPONSIVE; CEREBELLOPATHY, HEREDITARY PAROXYSMAL; EPISODIC ATAXIA, NYSTAGMUS-ASSOCIATED; ACETAZOLAMIDE-RESPONSIVE HEREDITARY PAROXYSMAL CEREBELLAR ATAXIA. Identifiers: Orphanet 97, MedGen C1720416, MONDO:0007163, OMIM 108500.
Developmental and epileptic encephalopathy, 42 (DEE42A). Also called: Epileptic encephalopathy, early infantile, 42; DEVELOPMENTAL AND EPILEPTIC ENCEPHALOPATHY 42A; EPILEPTIC ENCEPHALOPATHY, EARLY INFANTILE, 42A. Identifiers: MedGen C4310716, MONDO:0014917, OMIM 617106.

gnomAD v4.1: 3 of 1,591,702 alleles (0.00019%); highest among the groups gnomAD compares: Non-Finnish European, 0.00026%; no homozygotes.

Submissions (2):

Mayo Clinic Laboratories, Mayo Clinic
Classification: Likely benign. Last evaluated: 2025-05-08. Review status: criteria provided, single submitter. Criteria: ACMG Guidelines, 2015. Collection method: clinical testing. Allele origin: germline. Observed: 1 variant allele.
Comment: BP4, BP7

Labcorp Genetics (formerly Invitae), Labcorp
Classification: Likely benign for Developmental and epileptic encephalopathy, 42; Episodic ataxia type 2. Last evaluated: 2024-05-08. Review status: criteria provided, single submitter. Criteria: Invitae Variant Classification Sherloc (09022015). Collection method: clinical testing. Allele origin: germline.